The following is an entry in ClinVar:

NM_032043.3(BRIP1):c.868G>A (p.Gly290Ser)

Gene: BRIP1 (BRCA1 interacting DNA helicase 1; minus strand). Cytogenetic location: 17q23.2.
Variant type: single nucleotide variant.
Coding change: c.868G>A on transcript NM_032043.3 (MANE Select); coding-DNA position 868, G replaced by A.
Protein change: p.Gly290Ser; replaces glycine 290 with serine.
Molecular consequence: missense variant.
Genome position (GRCh38, 1-based): chr17:61,808,517, C>T on the plus strand (G>A on the coding strand, the complement: BRIP1 is on the minus strand). VCF-style: chr17-61808517-C-T. GRCh37 (hg19) VCF-style: chr17-59885878-C-T.
Other names: short protein forms G290S.
Identifiers: ClinVar variation 419001 (VCV000419001.19), dbSNP rs145601931, ClinGen allele CA8690840.

ClinVar aggregate classification (germline): Conflicting classifications of pathogenicity. Review status: criteria provided, conflicting classifications (1 of 4 stars). 4 submissions from 4 submitters: Uncertain significance (3); Likely benign (1). Last evaluated 2024-12-23.

Conditions:
Hereditary cancer-predisposing syndrome. Also called: Hereditary neoplastic syndrome; Hereditary Cancer Syndrome; Neoplastic Syndromes, Hereditary; Tumor predisposition. Identifiers: Orphanet 140162, MedGen C0027672, MeSH D009386, MONDO:0015356.
Fanconi anemia complementation group J. Also called: BRIP1-Related Fanconi Anemia. Identifiers: Orphanet 84, MedGen C1836860, MONDO:0012187, OMIM 609054.
Familial cancer of breast. Also called: hereditary breast carcinoma; Hereditary breast cancer; BREAST CANCER, FAMILIAL. Identifiers: Orphanet 227535, MedGen C0346153, MONDO:0016419, OMIM 114480. Disease mechanism: loss of function.

Allele frequency attached by ClinVar (database versions not stated): gnomAD exomes below 0.00001 and 0.00001; ExAC 0.00001; ESP Exome Variant Server 0.00008.
gnomAD v4.1: 14 of 1,613,718 alleles (0.00087%); highest among the groups gnomAD compares: Non-Finnish European, 0.0011%; no homozygotes.

Submissions (4):

Color Diagnostics, LLC DBA Color Health
Classification: Uncertain significance for Hereditary cancer-predisposing syndrome. Last evaluated: 2024-12-23. Review status: criteria provided, single submitter. Criteria: ACMG Guidelines, 2015. Collection method: clinical testing. Allele origin: germline.
Comment: This missense variant replaces glycine with serine at codon 290 of the BRIP1 protein. Computational prediction suggests that this variant may not impact protein structure and function. To our knowledge, functional studies have not been reported for this variant. This variant has been reported in an individual affected with breast cancer (PMID: 26921362). This variant has been identified in 1/250892 chromosomes in the general population by the Genome Aggregation Database (gnomAD). The available evidence is insufficient to determine the role of this variant in disease conclusively. Therefore, this variant is classified as a Variant of Uncertain Significance.

Labcorp Genetics (formerly Invitae), Labcorp
Classification: Uncertain significance for Familial cancer of breast; Fanconi anemia complementation group J. Last evaluated: 2023-12-12. Review status: criteria provided, single submitter. Criteria: Invitae Variant Classification Sherloc (09022015). Collection method: clinical testing. Allele origin: germline.
Comment: This sequence change replaces glycine, which is neutral and non-polar, with serine, which is neutral and polar, at codon 290 of the BRIP1 protein (p.Gly290Ser). This variant is present in population databases (rs145601931, gnomAD 0.0009%). This variant has not been reported in the literature in individuals affected with BRIP1-related conditions. ClinVar contains an entry for this variant (Variation ID: 419001). Advanced modeling of protein sequence and biophysical properties (such as structural, functional, and spatial information, amino acid conservation, physicochemical variation, residue mobility, and thermodynamic stability) performed at Invitae indicates that this missense variant is not expected to disrupt BRIP1 protein function with a negative predictive value of 80%. In summary, the available evidence is currently insufficient to determine the role of this variant in disease. Therefore, it has been classified as a Variant of Uncertain Significance.

Ambry Genetics
Classification: Likely benign for Hereditary cancer-predisposing syndrome. Last evaluated: 2023-12-07. Review status: criteria provided, single submitter. Criteria: Ambry Variant Classification Scheme 2023. Collection method: clinical testing. Allele origin: germline.

GeneDx
Classification: Uncertain significance. Last evaluated: 2015-05-06. Review status: criteria provided, single submitter. Criteria: GeneDx Variant Classification (06012015). Collection method: clinical testing. Allele origin: germline. Affected: yes.
Comment: This variant is denoted BRIP1 c.868G>A at the cDNA level, p.Gly290Ser (G290S) at the protein level, and results in the change of a Glycine to a Serine (GGT>AGT). This variant has not, to our knowledge, been published in the literature as pathogenic or benign. BRIP1 Gly290Ser was not observed at a significant allele frequency in the NHLBI Exome Sequencing Project. Since Glycine and Serine differ in polarity, charge, size or other properties, this is considered a non-conservative amino acid substitution. BRIP1 Gly290Ser occurs at a position that is conserved in mammals and is located in within the helicase ATP-binding domain (Cantor 2011, UniProt). In silico analyses predict that this variant is unlikely to alter protein structure or function. Based on currently available information, it is unclear whether BRIP1 Gly290Ser is pathogenic or benign. We consider it to be a variant of uncertain significance.

Literature cited by the submitters: PubMed 26921362 (cited by Color Diagnostics, LLC DBA Color Health).